The following is an entry in ClinVar:

ClinVar aggregate classification (germline): Uncertain significance (1 of 4 stars; one submission).

Conditions:
Cardiovascular phenotype. Identifiers: MedGen CN230736.

gnomAD v4.1: 1 of 1,614,226 alleles (0.000062%); highest among the groups gnomAD compares: Non-Finnish European, 0.000085%; no homozygotes.

Submission:

Ambry Genetics
Classification: Uncertain significance for Cardiovascular phenotype. Last evaluated: 2025-06-15. Review status: criteria provided, single submitter. Criteria: Ambry Variant Classification Scheme 2023. Collection method: clinical testing. Allele origin: germline.
Comment: The p.T2412A variant (also known as c.7234A>G), located in coding exon 24 of the DSP gene, results from an A to G substitution at nucleotide position 7234. The threonine at codon 2412 is replaced by alanine, an amino acid with similar properties. This amino acid position is conserved. In addition, the in silico prediction for this alteration is inconclusive. Based on the available evidence, the clinical significance of this variant remains unclear.

NM_004415.4(DSP):c.7234A>G (p.Thr2412Ala)

Gene: DSP (desmoplakin; plus strand). Cytogenetic location: 6p24.3.
Variant type: single nucleotide variant.
Coding change: c.7234A>G on transcript NM_004415.4 (MANE Select); coding-DNA position 7234, A replaced by G.
Protein change: p.Thr2412Ala; replaces threonine 2412 with alanine.
Molecular consequence: missense variant.
Genome position (GRCh38, 1-based): chr6:7,584,496, A>G. VCF-style: chr6-7584496-A-G. GRCh37 (hg19) VCF-style: chr6-7584729-A-G.
Other names: c.5437A>G, p.Thr1813Ala (NM_001008844.3); c.5905A>G, p.Thr1969Ala (NM_001319034.2); short protein forms T2412A, T1813A, T1969A.
Identifiers: ClinVar variation 4245106 (VCV004245106.1).
Genomic context (GRCh38, chr6:7,584,496, plus strand): 5'-TATAAGAGGGGCTATTTCAATGAGGAACTCAGTGAGATTCTCTCAGATCCAAGTGATGAT[A>G]CCAAAGGATTTTTTGACCCCAACACTGAAGAAAATCTTACCTATCTGCAACTAAAAGAAA-3'
Protein context (NP_004406.2, residues 2402-2422): SEILSDPSDD[Thr2412Ala]KGFFDPNTEE